The following is an entry in ClinVar:

ClinVar aggregate classification (germline): Uncertain significance (1 of 4 stars; one submission).

Conditions:
Inborn genetic diseases. Identifiers: MedGen C0950123, MeSH D030342.

gnomAD v4.1: 1 of 1,613,852 alleles (0.000062%); highest among the groups gnomAD compares: African/African-American, 0.0013%; no homozygotes.

Submission:

Ambry Genetics
Classification: Uncertain significance for Inborn genetic diseases. Last evaluated: 2025-10-22. Review status: criteria provided, single submitter. Criteria: Ambry Variant Classification Scheme 2023. Collection method: clinical testing. Allele origin: germline.
Comment: The c.553G>A (p.G185S) alteration is located in exon 5 (coding exon 5) of the SGCE gene. This alteration results from a G to A substitution at nucleotide position 553, causing the glycine (G) at amino acid position 185 to be replaced by a serine (S). Based on data from gnomAD, the A allele has an overall frequency of 0.003% (1/31394) total alleles studied. The highest observed frequency was 0.012% (1/8710) of African alleles. Based on insufficient or conflicting evidence, the clinical significance of this alteration remains unclear.

NM_003919.3(SGCE):c.553G>A (p.Gly185Ser)

Genes: CASD1 (CAS1 domain sialic acid O acetyltransferase 1; plus strand), SGCE (sarcoglycan epsilon; minus strand). Cytogenetic location: 7q21.3.
Variant type: single nucleotide variant.
Coding change: c.553G>A on transcript NM_003919.3 (MANE Select); coding-DNA position 553, G replaced by A.
Protein change: p.Gly185Ser; replaces glycine 185 with serine.
Molecular consequence: missense variant.
Genome position (GRCh38, 1-based): chr7:94,618,867, C>T on the plus strand (G>A on the coding strand, the complement: SGCE is on the minus strand). VCF-style: chr7-94618867-C-T. GRCh37 (hg19) VCF-style: chr7-94248179-C-T.
Other names: c.553G>A, p.Gly185Ser (NM_001099400.2, NM_001099401.2, NM_001346717.2); c.430G>A, p.Gly144Ser (NM_001301139.2, NM_001362809.2); c.661G>A, p.Gly221Ser (NM_001346713.2, NM_001346715.2); c.466G>A, p.Gly156Ser (NM_001346719.2, NM_001362807.2); c.280G>A, p.Gly94Ser (NM_001346720.2, NM_001362808.2); short protein forms G156S, G221S, G94S, G144S, G185S.
Identifiers: ClinVar variation 4630674 (VCV004630674.1).